The following is an entry in ClinVar:

ClinVar aggregate classification (germline): Uncertain significance. Review status: criteria provided, single submitter (1 of 4 stars). 2 submissions from 2 submitters: Uncertain significance (1). 1 of the submissions does not count toward it. Last evaluated 2019-07-01.

Conditions:
Temtamy preaxial brachydactyly syndrome (TPBS). Identifiers: Orphanet 363417, MedGen C1854466, MONDO:0011533, OMIM 605282.

Allele frequency attached by ClinVar (database versions not stated): gnomAD exomes below 0.00001.
gnomAD v4.1: 2 of 1,614,138 alleles (0.00012%); highest among the groups gnomAD compares: Non-Finnish European, 0.00017%; no homozygotes.

Submissions (2):

CeGaT Center for Human Genetics Tuebingen
Classification: Uncertain significance. Last evaluated: 2019-07-01. Review status: criteria provided, single submitter. Criteria: CeGaT Center For Human Genetics Tuebingen Variant Classification Criteria Version 2. Collection method: clinical testing. Allele origin: germline. Affected: yes. Observed: 1 variant allele.

Department of Laboratory Medicine, Örebro University Hospital
Classification: Likely pathogenic for Temtamy preaxial brachydactyly syndrome. Last evaluated: 2024-06-07. Review status: no assertion criteria provided. Collection method: clinical testing. Allele origin: biparental. Inheritance: Autosomal recessive inheritance. Affected: yes. Observed: 1 homozygote. Not counted in ClinVar's aggregate classification.
Comment: Thie variant c.2159A>T in CHSY1-gene causes an amino acid change from Asp to Val at position 720 in exon 3. The variant is not previously reported in the literature and is found at very low frequency in GnomAD database. Our in-house data shows that the variant was found in homozygous state in two unrelated families and co-segregates with disorder in affected family members. Patients' phenotype was highly specific for Temtamy preaxial brachydactyly syndrome. All used in-silico tools unanimously predict variant as pathogenic. Thus the variant is classified as Likely pathogenic. Criteria applied: PM2, PP3_mod, PP1, PP4.

NM_014918.5(CHSY1):c.2159A>T (p.Asp720Val)

Gene: CHSY1 (chondroitin sulfate synthase 1; minus strand). Cytogenetic location: 15q26.3.
Variant type: single nucleotide variant.
Coding change: c.2159A>T on transcript NM_014918.5 (MANE Select); coding-DNA position 2159, A replaced by T.
Protein change: p.Asp720Val; replaces aspartic acid 720 with valine.
Molecular consequence: missense variant.
Genome position (GRCh38, 1-based): chr15:101,177,638, T>A on the plus strand (A>T on the coding strand, the complement: CHSY1 is on the minus strand). VCF-style: chr15-101177638-T-A. GRCh37 (hg19) VCF-style: chr15-101717843-T-A.
Other names: short protein forms D720V.
Identifiers: ClinVar variation 871151 (VCV000871151.43), dbSNP rs2038210214, ClinGen allele CA393957376.